The following is an entry in ClinVar:

NM_003268.6(TLR5):c.2493A>G (p.Lys831=)

Gene: TLR5 (toll like receptor 5; minus strand). Cytogenetic location: 1q41.
Variant type: single nucleotide variant.
Coding change: c.2493A>G on transcript NM_003268.6 (MANE Select); coding-DNA position 2493, A replaced by G.
Protein change: p.Lys831=; no amino-acid change (lysine 831 retained).
Molecular consequence: synonymous variant.
Genome position (GRCh38, 1-based): chr1:223,110,539, T>C on the plus strand (A>G on the coding strand, the complement: TLR5 is on the minus strand). VCF-style: chr1-223110539-T-C. GRCh37 (hg19) VCF-style: chr1-223283881-T-C.
Identifiers: ClinVar variation 785793 (VCV000785793.28), dbSNP rs75283814, ClinGen allele CA1409652.

ClinVar aggregate classification (germline): Benign/Likely benign. Review status: criteria provided, multiple submitters, no conflicts (2 of 4 stars). 3 submissions from 3 submitters: Benign (2); Likely benign (1). Last evaluated 2023-03-01.

Allele frequency attached by ClinVar (database versions not stated): 1000 Genomes Project 30x 0.00219; 1000 Genomes Project 0.00220; ExAC 0.00626; gnomAD 0.00643 and 0.00651; TOPMed 0.00650; gnomAD exomes 0.00671 and 0.00867; ESP Exome Variant Server 0.00753.
gnomAD v4.1: 13,633 of 1,614,036 alleles (0.84%); highest among the groups gnomAD compares: Middle Eastern, 1.1%; 74 homozygotes.

Submissions (3):

CeGaT Center for Human Genetics Tuebingen
Classification: Likely benign. Last evaluated: 2023-03-01. Review status: criteria provided, single submitter. Criteria: CeGaT Center For Human Genetics Tuebingen Variant Classification Criteria Version 2. Collection method: clinical testing. Allele origin: germline. Affected: yes. Observed: 1 variant allele.
Comment: TLR5: BP4, BP7, BS2

Labcorp Genetics (formerly Invitae), Labcorp
Classification: Benign. Last evaluated: 2018-08-08. Review status: criteria provided, single submitter. Criteria: Invitae Variant Classification Sherloc (09022015). Collection method: clinical testing. Allele origin: germline.

Breakthrough Genomics
Classification: Benign. Review status: criteria provided, single submitter. Criteria: ACMG Guidelines, 2015. Collection method: not provided. Allele origin: germline. Inheritance: Autosomal dominant inheritance. Affected: yes.